The following is an entry in ClinVar:

ClinVar aggregate classification (germline): Uncertain significance (1 of 4 stars; one submission).

Conditions:
Combined immunodeficiency due to MALT1 deficiency. Also called: Immunodeficiency 12. Identifiers: Orphanet 397964, MedGen C3809583, MONDO:0014197, OMIM 615468.

Allele frequency attached by ClinVar (database versions not stated): gnomAD exomes below 0.00001; TOPMed 0.00001; ExAC 0.00002; gnomAD 0.00002.
gnomAD v4.1: 9 of 1,543,052 alleles (0.00058%); highest among the groups gnomAD compares: African/African-American, 0.0013%; no homozygotes.

Submission:

Labcorp Genetics (formerly Invitae), Labcorp
Classification: Uncertain significance for Combined immunodeficiency due to MALT1 deficiency. Last evaluated: 2022-07-17. Review status: criteria provided, single submitter. Criteria: Invitae Variant Classification Sherloc (09022015). Collection method: clinical testing. Allele origin: germline.
Comment: This sequence change replaces arginine, which is basic and polar, with tryptophan, which is neutral and slightly polar, at codon 576 of the MALT1 protein (p.Arg576Trp). This variant is present in population databases (rs779797395, gnomAD 0.01%). This variant has not been reported in the literature in individuals affected with MALT1-related conditions. Algorithms developed to predict the effect of missense changes on protein structure and function are either unavailable or do not agree on the potential impact of this missense change (SIFT: "Deleterious"; PolyPhen-2: "Probably Damaging"; Align-GVGD: "Class C0"). In summary, the available evidence is currently insufficient to determine the role of this variant in disease. Therefore, it has been classified as a Variant of Uncertain Significance.

NM_006785.4(MALT1):c.1726C>T (p.Arg576Trp)

Gene: MALT1 (MALT1 paracaspase; plus strand). Cytogenetic location: 18q21.32.
Variant type: single nucleotide variant.
Coding change: c.1726C>T on transcript NM_006785.4 (MANE Select); coding-DNA position 1726, C replaced by T.
Protein change: p.Arg576Trp; replaces arginine 576 with tryptophan.
Molecular consequence: missense variant.
Genome position (GRCh38, 1-based): chr18:58,741,987, C>T. VCF-style: chr18-58741987-C-T. GRCh37 (hg19) VCF-style: chr18-56409219-C-T.
Other names: c.1693C>T, p.Arg565Trp (NM_173844.3); short protein forms R576W, R565W.
Identifiers: ClinVar variation 2112711 (VCV002112711.1), dbSNP rs779797395, ClinGen allele CA8977962.